The following is an entry in ClinVar:

NM_000053.4(ATP7B):c.4144G>A (p.Glu1382Lys)

Gene: ATP7B (ATPase copper transporting beta; minus strand). Cytogenetic location: 13q14.3.
Variant type: single nucleotide variant.
Coding change: c.4144G>A on transcript NM_000053.4 (MANE Select); coding-DNA position 4144, G replaced by A.
Protein change: p.Glu1382Lys; replaces glutamic acid 1382 with lysine.
Molecular consequence: missense variant.
Genome position (GRCh38, 1-based): chr13:51,935,010, C>T on the plus strand (G>A on the coding strand, the complement: ATP7B is on the minus strand). VCF-style: chr13-51935010-C-T. GRCh37 (hg19) VCF-style: chr13-52509146-C-T.
Other names: c.3904G>A, p.Glu1302Lys (NM_001406530.1); c.3892G>A, p.Glu1298Lys (NM_001406531.1, NM_001406532.1, NM_001330579.2); c.3856G>A, p.Glu1286Lys (NM_001406534.1); c.3814G>A, p.Glu1272Lys (NM_001406535.1, NM_001406536.1); c.3805G>A, p.Glu1269Lys (NM_001406537.1); c.3766G>A, p.Glu1256Lys (NM_001406538.1); c.3715G>A, p.Glu1239Lys (NM_001406539.1); c.3523G>A, p.Glu1175Lys (NM_001005918.3); and 21 more; short protein forms E1101K, E1155K, E1166K, E1175K, E1188K, E1218K, E1220K, E1233K.
Identifiers: ClinVar variation 3387270 (VCV003387270.1).

ClinVar aggregate classification (germline): Uncertain significance (1 of 4 stars; one submission).

Conditions:
Wilson disease (WND). Also called: Wilson's disease. Identifiers: Orphanet 905, MedGen C0019202, MONDO:0010200, OMIM 277900. Disease mechanism: loss of function.

Submission:

All of Us Research Program, National Institutes of Health
Classification: Uncertain significance for Wilson disease. Last evaluated: 2024-08-06. Review status: criteria provided, single submitter. Criteria: ACMG Guidelines, 2015. Collection method: clinical testing. Allele origin: germline. Inheritance: Autosomal recessive inheritance. Observed: 1 variant allele, 1 heterozygote.
Comment: This study involves interpretation of variants in research participants for the purpose of population health screening. Participant phenotype was not available at the time of variant classification. Additional details can be found in publication PMID: 35346344, PMCID: PMC8962531